The following is an entry in ClinVar:

NM_024753.5(TTC21B):c.2959A>G (p.Met987Val)

Gene: TTC21B (tetratricopeptide repeat domain 21B; minus strand). Cytogenetic location: 2q24.3.
Variant type: single nucleotide variant.
Coding change: c.2959A>G on transcript NM_024753.5 (MANE Select); coding-DNA position 2959, A replaced by G.
Protein change: p.Met987Val; replaces methionine 987 with valine.
Molecular consequence: missense variant.
Genome position (GRCh38, 1-based): chr2:165,890,980, T>C on the plus strand (A>G on the coding strand, the complement: TTC21B is on the minus strand). VCF-style: chr2-165890980-T-C. GRCh37 (hg19) VCF-style: chr2-166747490-T-C.
Other names: short protein forms M987V.
Identifiers: ClinVar variation 1397662 (VCV001397662.9), dbSNP rs889749746, ClinGen allele CA349048505.

ClinVar aggregate classification (germline): Uncertain significance (1 of 4 stars; one submission).

Conditions:
Jeune thoracic dystrophy. Also called: Jeune syndrome; Infantile thoracic dystrophy; Thoracic pelvic phalangeal dystrophy; Jeune's syndrome; Chondroectodermal dysplasia-like syndrome; Short-rib thoracic dysplasia. Identifiers: Orphanet 474, MedGen C0265275, MONDO:0018770.
Nephronophthisis. Also called: Juvenile Nephronophthisis. Identifiers: Orphanet 655, MedGen C0687120, MONDO:0019005, HP:0000090.

Submission:

Labcorp Genetics (formerly Invitae), Labcorp
Classification: Uncertain significance for Jeune thoracic dystrophy; Nephronophthisis. Last evaluated: 2023-09-25. Review status: criteria provided, single submitter. Criteria: Invitae Variant Classification Sherloc (09022015). Collection method: clinical testing. Allele origin: germline.
Comment: This sequence change replaces methionine, which is neutral and non-polar, with valine, which is neutral and non-polar, at codon 987 of the TTC21B protein (p.Met987Val). This variant is not present in population databases (gnomAD no frequency). This variant has not been reported in the literature in individuals affected with TTC21B-related conditions. ClinVar contains an entry for this variant (Variation ID: 1397662). Advanced modeling of protein sequence and biophysical properties (such as structural, functional, and spatial information, amino acid conservation, physicochemical variation, residue mobility, and thermodynamic stability) performed at Invitae indicates that this missense variant is not expected to disrupt TTC21B protein function. In summary, the available evidence is currently insufficient to determine the role of this variant in disease. Therefore, it has been classified as a Variant of Uncertain Significance.